The following is an entry in ClinVar:

ClinVar aggregate classification (germline): Uncertain significance (1 of 4 stars; one submission).

Allele frequency attached by ClinVar (database versions not stated): TOPMed 0.00001; ExAC 0.00002; gnomAD exomes 0.00001.
gnomAD v4.1: 10 of 1,613,906 alleles (0.00062%); highest among the groups gnomAD compares: Admixed American, 0.0017%; no homozygotes.

Submission:

Labcorp Genetics (formerly Invitae), Labcorp
Classification: Uncertain significance. Last evaluated: 2025-09-02. Review status: criteria provided, single submitter. Criteria: Invitae Variant Classification Sherloc (09022015). Collection method: clinical testing. Allele origin: germline.
Comment: This sequence change replaces aspartic acid, which is acidic and polar, with asparagine, which is neutral and polar, at codon 377 of the NLGN2 protein (p.Asp377Asn). This variant is present in population databases (rs754012184, gnomAD 0.003%). This variant has not been reported in the literature in individuals affected with NLGN2-related conditions. ClinVar contains an entry for this variant (Variation ID: 2980167). Invitae Evidence Modeling of protein sequence and biophysical properties (such as structural, functional, and spatial information, amino acid conservation, physicochemical variation, residue mobility, and thermodynamic stability) indicates that this missense variant is expected to disrupt NLGN2 protein function with a positive predictive value of 80%. In summary, the available evidence is currently insufficient to determine the role of this variant in disease. Therefore, it has been classified as a Variant of Uncertain Significance.

NM_020795.4(NLGN2):c.1129G>A (p.Asp377Asn)

Gene: NLGN2 (neuroligin 2; plus strand). Cytogenetic location: 17p13.1.
Variant type: single nucleotide variant.
Coding change: c.1129G>A on transcript NM_020795.4 (MANE Select); coding-DNA position 1129, G replaced by A.
Protein change: p.Asp377Asn; replaces aspartic acid 377 with asparagine.
Molecular consequence: missense variant.
Genome position (GRCh38, 1-based): chr17:7,415,602, G>A. VCF-style: chr17-7415602-G-A. GRCh37 (hg19) VCF-style: chr17-7318921-G-A.
Other names: short protein forms D377N.
Identifiers: ClinVar variation 2980167 (VCV002980167.3), dbSNP rs754012184, ClinGen allele CA8346034.